The following is an entry in ClinVar:

NM_138694.4(PKHD1):c.1338G>A (p.Leu446=)

Gene: PKHD1 (PKHD1 ciliary IPT domain containing fibrocystin/polyductin; minus strand). Cytogenetic location: 6p12.2.
Variant type: single nucleotide variant.
Coding change: c.1338G>A on transcript NM_138694.4 (MANE Select); coding-DNA position 1338, G replaced by A.
Protein change: p.Leu446=; no amino-acid change (leucine 446 retained).
Molecular consequence: synonymous variant.
Genome position (GRCh38, 1-based): chr6:52,058,497, C>T on the plus strand (G>A on the coding strand, the complement: PKHD1 is on the minus strand). VCF-style: chr6-52058497-C-T. GRCh37 (hg19) VCF-style: chr6-51923295-C-T.
Other names: c.1338G>A (NM_138694.3); c.1338G>A, p.Leu446= (NM_170724.3).
Identifiers: ClinVar variation 1104300 (VCV001104300.10), dbSNP rs537958378, ClinGen allele CA3853584.

ClinVar aggregate classification (germline): Likely benign. Review status: criteria provided, multiple submitters, no conflicts (2 of 4 stars). 2 submissions from 2 submitters: Likely benign (2). Last evaluated 2025-09-27.

Conditions:
PKHD1-related disorder. Also called: PKHD1-related condition.
Autosomal recessive polycystic kidney disease (ARPKD). Also called: AR polycystic kidney disease. Identifiers: Orphanet 731, Orphanet 8378, MedGen C0085548, MeSH D017044, MONDO:0009889.

Allele frequency attached by ClinVar (database versions not stated): gnomAD exomes below 0.00001; ExAC 0.00001; gnomAD 0.00003 and 0.00004.
gnomAD v4.1: 25 of 1,614,234 alleles (0.0015%); highest among the groups gnomAD compares: African/African-American, 0.016%; no homozygotes.

Submissions (2):

PreventionGenetics, part of Exact Sciences
Classification: Likely benign for PKHD1-related condition. Last evaluated: 2025-09-27. Review status: criteria provided, single submitter. Criteria: ACMG Guidelines, 2015. Collection method: clinical testing. Allele origin: germline.
Comment: This variant is classified as likely benign based on ACMG/AMP sequence variant interpretation guidelines (Richards et al. 2015 PMID: 25741868, with internal and published modifications).

Labcorp Genetics (formerly Invitae), Labcorp
Classification: Likely benign for Autosomal recessive polycystic kidney disease. Last evaluated: 2025-07-21. Review status: criteria provided, single submitter. Criteria: Invitae Variant Classification Sherloc (09022015). Collection method: clinical testing. Allele origin: germline.